The following is an entry in ClinVar:

NM_032656.4(DHX37):c.478GAG[13] (p.Glu168_Ser169insGluGluGluGlu)

Gene: DHX37 (DEAH-box helicase 37; minus strand). Cytogenetic location: 12q24.31.
Variant type: Microsatellite.
Coding change: c.478GAG[13] on transcript NM_032656.4 (MANE Select); 13 copies in a row of the 3-base unit GAG starting at c.478; the reference has nine copies in a row; four copies, 12 bases duplicated.
Protein change: p.Glu168_Ser169insGluGluGluGlu.
Molecular consequence: inframe insertion.
Genome position (GRCh38, 1-based): chr12:124,980,724-124,980,735, CTCCTCCTCCTC duplicated on the plus strand (GAGGAGGAGGAG on the coding strand, the reverse complement: DHX37 is on the minus strand); duplicating any 12 consecutive bases within chr12:124,980,724-124,980,750 gives the same sequence; the position shown is the placement nearest the transcript's 3' end. VCF-style (leftmost placement, unchanged base first): chr12-124980723-A-ACTCCTCCTCCTC. GRCh37 (hg19) VCF-style: chr12-125465269-A-ACTCCTCCTCCTC.
Identifiers: ClinVar variation 2186321 (VCV002186321.4), dbSNP rs376470858, ClinGen allele CA684839148.
Genomic context (GRCh38, chr12:124,980,723, plus strand): 5'-CAGCCGGCTCAGCAGCTGGGTCCTCGTCCAGCTCCGACTCCTCCTCCAGCTCCGATTCCG[A>ACTCCTCCTCCTC]CTCCTCCTCCTCCTCCTCCTCCTCCTCAGCTGAGGGCCAGCGGCGACGCTTCCGGTGGGC-3'

ClinVar aggregate classification (germline): Uncertain significance (1 of 4 stars; one submission).

Submission:

Labcorp Genetics (formerly Invitae), Labcorp
Classification: Uncertain significance. Last evaluated: 2025-01-27. Review status: criteria provided, single submitter. Criteria: Invitae Variant Classification Sherloc (09022015). Collection method: clinical testing. Allele origin: germline.
Comment: This variant, c.493_504dup, results in the insertion of 4 amino acid(s) of the DHX37 protein (p.Glu165_Glu168dup), but otherwise preserves the integrity of the reading frame. This variant is not present in population databases (gnomAD no frequency). This variant has not been reported in the literature in individuals affected with DHX37-related conditions. In summary, the available evidence is currently insufficient to determine the role of this variant in disease. Therefore, it has been classified as a Variant of Uncertain Significance.